The following is an entry in ClinVar:

ClinVar aggregate classification (germline): Uncertain significance. Review status: criteria provided, multiple submitters, no conflicts (2 of 4 stars). 2 submissions from 2 submitters: Uncertain significance (2). Last evaluated 2025-08-08.

Conditions:
Aortic valve disease 2 (AOVD2). Identifiers: MedGen C3542024, MONDO:0013902, OMIM 614823.
Craniosynostosis 7 (CRS7). Also called: CRANIOSYNOSTOSIS 7, DIGENIC; CRS7, DIGENIC. Identifiers: MedGen C4479496, MONDO:0044315, OMIM 617439.

Allele frequency attached by ClinVar (database versions not stated): TOPMed 0.00003.
gnomAD v4.1: 122 of 1,221,260 alleles (0.01%); highest among the groups gnomAD compares: Non-Finnish European, 0.012%; no homozygotes.

Submissions (2):

Labcorp Genetics (formerly Invitae), Labcorp
Classification: Uncertain significance for Aortic valve disease 2. Last evaluated: 2025-08-08. Review status: criteria provided, single submitter. Criteria: Invitae Variant Classification Sherloc (09022015). Collection method: clinical testing. Allele origin: germline.
Comment: This sequence change replaces glycine, which is neutral and non-polar, with cysteine, which is neutral and slightly polar, at codon 88 of the SMAD6 protein (p.Gly88Cys). This variant is not present in population databases (gnomAD no frequency). This variant has not been reported in the literature in individuals affected with SMAD6-related conditions. ClinVar contains an entry for this variant (Variation ID: 581943). An algorithm developed to predict the effect of missense changes on protein structure and function (PolyPhen-2) suggests that this variant is likely to be disruptive. In summary, the available evidence is currently insufficient to determine the role of this variant in disease. Therefore, it has been classified as a Variant of Uncertain Significance.

Victorian Clinical Genetics Services, Murdoch Childrens Research Institute
Classification: Uncertain significance for Craniosynostosis 7. Last evaluated: 2022-02-02. Review status: criteria provided, single submitter. Criteria: ACMG Guidelines, 2015. Collection method: clinical testing. Allele origin: germline. Inheritance: Autosomal dominant inheritance.
Comment: Based on the classification scheme VCGS_Germline_v1.3.4, this variant is classified as VUS-3C. Following criteria are met: 0102 - Loss of function is a known mechanism of disease in this gene and is associated with aortic valve disease 2 (MIM#614823) and craniosynostosis 7 (MIM#617439). (I) 0107 - This gene is associated with autosomal dominant disease. (I) 0112 - The condition associated with this gene has incomplete penetrance. Variants associated with craniosynostosis have been reported to be inherited from clinically unaffected parents (PMIDs: 32499606, 27606499). (I) 0200 - Variant is predicted to result in a missense amino acid change from glycine to cysteine. (I) 0251 - This variant is heterozygous. (I) 0302 - Variant is present in gnomAD (v3) <0.001 for a dominant condition (1 heterozygote, 0 homozygotes). (SP) 0309 - An alternative amino acid change at the same position has been observed in gnomAD (v3) (1 heterozygote, 0 homozygotes). (I) 0503 - Missense variant consistently predicted to be tolerated by multiple in silico tools or not conserved in placental mammals with a minor amino acid change. (SB) 0604 - Variant is not located in an established domain, motif, hotspot or informative constraint region. (I) 0705 - No comparable missense variants have previous evidence for pathogenicity. (I) 0809 - Previous evidence of pathogenicity for this variant is inconclusive. It has been reported as uncertain pathogenicity in an individual with craniosynostosis (PMID: 32499606), and reported as a VUS in ClinVar. (I) 0905 - No published segregation evidence has been identified for this variant. (I) 1004 - This variant has moderate functional evidence supporting normal protein function. Functional studies using transfected cells showed normal inhibitory activity and normal protein stability (PMID: 32499606). (I) Legend: (SP) - Supporting pathogenic, (I) - Information, (SB) - Supporting benign

Literature cited by the submitters: PubMed 27606499 (cited by Victorian Clinical Genetics Services, Murdoch Childrens Research Institute); PubMed 32499606 (cited by Victorian Clinical Genetics Services, Murdoch Childrens Research Institute).

NM_005585.5(SMAD6):c.262G>T (p.Gly88Cys)

Gene: SMAD6 (SMAD family member 6; plus strand). Cytogenetic location: 15q22.31.
Variant type: single nucleotide variant.
Coding change: c.262G>T on transcript NM_005585.5 (MANE Select); coding-DNA position 262, G replaced by T.
Protein change: p.Gly88Cys; replaces glycine 88 with cysteine.
Molecular consequence: missense variant. On other transcripts: non-coding transcript variant (1).
Genome position (GRCh38, 1-based): chr15:66,703,520, G>T. VCF-style: chr15-66703520-G-T. GRCh37 (hg19) VCF-style: chr15-66995858-G-T.
Other names: short protein forms G88C.
Identifiers: ClinVar variation 581943 (VCV000581943.8), dbSNP rs887913905, ClinGen allele CA271682776.